The following is an entry in ClinVar:

NC_012920.1(MT-ND1):m.3709G>A

Gene: MT-ND1 (mitochondrially encoded NADH dehydrogenase 1; plus strand).
Variant type: single nucleotide variant.
Genome position: chrM-3709-G-A.
Identifiers: ClinVar variation 692388 (VCV000692388.1), dbSNP rs1603219090, ClinGen allele CA414773348.

ClinVar aggregate classification (germline): Uncertain significance (1 of 4 stars; one submission).

Conditions:
Leigh syndrome (NULS). Also called: Leigh's necrotizing encephalopathy; Leigh's disease; Leigh Syndrome (mtDNA deletion); Leigh Disease; Subacute necrotizing encephalopathy; Necrotizing encephalopathy infantile subacute of Leigh. Identifiers: Orphanet 506, MedGen C2931891, MONDO:0009723, OMIM 256000.

Submission:

Wong Mito Lab, Molecular and Human Genetics, Baylor College of Medicine
Classification: Uncertain significance for Leigh syndrome. Last evaluated: 2019-10-17. Review status: criteria provided, single submitter. Criteria: Modified ACMG Guidelines (Unpublished). Collection method: clinical testing. Allele origin: germline.
Comment: The NC_012920.1:m.3709G>A (YP_003024026.1:p.Ala135Thr) variant in MTND1 gene is interpretated to be a Uncertain Significance variant based on the modified ACMG guidelines (unpublished). This variant meets the following evidence codes: no criteria

Literature cited by the submitters: PubMed 16050984.